The following is an entry in ClinVar:

NM_138295.5(PKD1L1):c.5777A>G (p.Tyr1926Cys)

Gene: PKD1L1 (polycystin 1 like 1, transient receptor potential channel interacting; minus strand). Cytogenetic location: 7p12.3.
Variant type: single nucleotide variant.
Coding change: c.5777A>G on transcript NM_138295.5 (MANE Select); coding-DNA position 5777, A replaced by G.
Protein change: p.Tyr1926Cys; replaces tyrosine 1926 with cysteine.
Molecular consequence: missense variant.
Genome position (GRCh38, 1-based): chr7:47,837,087, T>C on the plus strand (A>G on the coding strand, the complement: PKD1L1 is on the minus strand). VCF-style: chr7-47837087-T-C. GRCh37 (hg19) VCF-style: chr7-47876685-T-C.
Other names: short protein forms Y1926C.
Identifiers: ClinVar variation 2338306 (VCV002338306.4), dbSNP rs369443961, ClinGen allele CA4252726.

ClinVar aggregate classification (germline): Uncertain significance. Review status: criteria provided, multiple submitters, no conflicts (2 of 4 stars). 2 submissions from 2 submitters: Uncertain significance (2). Last evaluated 2026-05-04.

Conditions:
PKD1L1-related disorder. Also called: PKD1L1-related condition.
Inborn genetic diseases. Identifiers: MedGen C0950123, MeSH D030342.

Allele frequency attached by ClinVar (database versions not stated): gnomAD 0.00001; gnomAD exomes 0.00001; ExAC 0.00002; TOPMed 0.00002; ESP Exome Variant Server 0.00015.
gnomAD v4.1: 20 of 1,613,866 alleles (0.0012%); highest among the groups gnomAD compares: South Asian, 0.0033%; no homozygotes.

Submissions (2):

PreventionGenetics, part of Exact Sciences
Classification: Uncertain significance for PKD1L1-related condition. Last evaluated: 2026-05-04. Review status: criteria provided, single submitter. Criteria: ACMG Guidelines, 2015. Collection method: clinical testing. Allele origin: germline.
Comment: The PKD1L1 c.5777A>G variant is predicted to result in the amino acid substitution p.Tyr1926Cys. To our knowledge, this variant has not been reported in the literature. This variant is reported in 0.0062% of alleles in individuals of African descent in gnomAD. At this time, the clinical significance of this variant is uncertain due to the absence of conclusive functional and genetic evidence.

Ambry Genetics
Classification: Uncertain significance for Inborn genetic diseases. Last evaluated: 2025-05-05. Review status: criteria provided, single submitter. Criteria: Ambry Variant Classification Scheme 2023. Collection method: clinical testing. Allele origin: germline.